The following is an entry in ClinVar:

ClinVar aggregate classification (germline): Pathogenic. Review status: criteria provided, multiple submitters, no conflicts (2 of 4 stars). 8 submissions from 8 submitters: Pathogenic (7). 1 of the submissions does not count toward it. Last evaluated 2025-08-22.

Conditions:
ATM-related disorder. Also called: ATM-related disorders; ATM-related condition.
Hereditary cancer-predisposing syndrome. Also called: Neoplastic Syndromes, Hereditary; Tumor predisposition; Hereditary neoplastic syndrome; Hereditary Cancer Syndrome. Identifiers: Orphanet 140162, MedGen C0027672, MeSH D009386, MONDO:0015356.
Familial cancer of breast. Also called: Hereditary breast cancer; BREAST CANCER, FAMILIAL; hereditary breast carcinoma. Identifiers: Orphanet 227535, MedGen C0346153, MONDO:0016419, OMIM 114480. Disease mechanism: loss of function.
Ataxia-telangiectasia syndrome (AT). Also called: Cerebello-oculocutaneous telangiectasia; Immunodeficiency with ataxia telangiectasia; AT, COMPLEMENTATION GROUP C; LOUIS-BAR SYNDROME; Ataxia-telangiectasia, complementation group E; ATAXIA-TELANGIECTASIA, COMPLEMENTATION GROUP A. Identifiers: Orphanet 100, MedGen C0004135, MONDO:0008840, OMIM 208900.
Malignant tumor of breast. Also called: Malignant breast neoplasm; Cancer breast. Identifiers: MedGen C0006142, MONDO:0007254. Disease mechanism: loss of function.

Submissions (8):

Labcorp Genetics (formerly Invitae), Labcorp
Classification: Pathogenic for Ataxia-telangiectasia syndrome. Last evaluated: 2025-08-22. Review status: criteria provided, single submitter. Criteria: Invitae Variant Classification Sherloc (09022015). Collection method: clinical testing. Allele origin: germline.
Comment: This sequence change creates a premature translational stop signal (p.Tyr1252Glnfs*4) in the ATM gene. It is expected to result in an absent or disrupted protein product. Loss-of-function variants in ATM are known to be pathogenic (PMID: 23807571, 25614872). Information on the frequency of this variant in the gnomAD database is not available, as this variant may be reported differently in the database. This premature translational stop signal has been observed in individual(s) with breast cancer and/or thyroid cancer (PMID: 27913932). It has also been observed to segregate with disease in related individuals. For these reasons, this variant has been classified as Pathogenic.

Ambry Genetics
Classification: Pathogenic for Hereditary cancer-predisposing syndrome. Last evaluated: 2025-06-20. Review status: criteria provided, single submitter. Criteria: Ambry Variant Classification Scheme 2023. Collection method: clinical testing. Allele origin: germline.
Comment: The c.3754_3756delTATinsCA pathogenic mutation, located in coding exon 25 of the ATM gene, results from the deletion of 3 nucleotides and insertion of two nucleotides causing a translational frameshift with a predicted alternate stop codon (p.Y1252Qfs*4). This variant is considered to be rare based on population cohorts in the Genome Aggregation Database (gnomAD). This alteration is expected to result in loss of function by premature protein truncation or nonsense-mediated mRNA decay. As such, this alteration is interpreted as a disease-causing mutation.

PreventionGenetics, part of Exact Sciences
Classification: Pathogenic for ATM-related condition. Last evaluated: 2025-03-14. Review status: criteria provided, single submitter. Criteria: ACMG Guidelines, 2015. Collection method: clinical testing. Allele origin: germline.
Comment: The ATM c.3754_3756delinsCA variant is predicted to result in a frameshift and premature protein termination (p.Tyr1252Glnfs*4). This variant was reported in individuals with breast or thyroid cancer and has been seen to segregate with disease in families (Tavera-Tapia et al. 2017. PubMed ID: 27913932; Bonache et al. 2018. PubMed ID: 30306255; Renault et al. 2018. PubMed ID: 29665859). This variant has not been reported in a large population database (gnomAD), indicating this variant is rare. It is interpreted as pathogenic in ClinVar. Frameshift variants in ATM are expected to be pathogenic. This variant is interpreted as pathogenic.

Color Diagnostics, LLC DBA Color Health
Classification: Pathogenic for Hereditary cancer-predisposing syndrome. Last evaluated: 2024-08-26. Review status: criteria provided, single submitter. Criteria: ACMG Guidelines, 2015. Collection method: clinical testing. Allele origin: germline.
Comment: This variant replaces 3 nucleotides with 2 new nucleotides in exon 26 of the ATM gene, creating a frameshift and premature translation stop signal. This variant is expected to result in an absent or non-functional protein product. This variant has been reported in individuals of a family affected with breast cancer or thyroid cancer (PMID: 27913932). This variant has not been identified in the general population by the Genome Aggregation Database (gnomAD). Loss of ATM function is a known mechanism of disease. Based on the available evidence, this variant is classified as Pathogenic.

Myriad Genetics, Inc.
Classification: Pathogenic for Familial cancer of breast. Last evaluated: 2024-01-23. Review status: criteria provided, single submitter. Criteria: Myriad Autosomal Dominant, Autosomal Recessive and X-Linked Classification Criteria (2023). Collection method: clinical testing. Allele origin: unknown.
Comment: This variant is considered pathogenic. This variant creates a frameshift predicted to result in premature protein truncation.

GeneDx
Classification: Pathogenic. Last evaluated: 2022-10-28. Review status: criteria provided, single submitter. Criteria: GeneDx Variant Classification Process June 2021. Collection method: clinical testing. Allele origin: germline. Affected: yes.
Comment: Frameshift variant predicted to result in protein truncation or nonsense mediated decay in a gene for which loss of function is a known mechanism of disease; Not observed at significant frequency in large population cohorts (gnomAD); Truncating variants in this gene are considered pathogenic by a well-established clinical consortium and/or database; This variant is associated with the following publications: (PMID: 27913932, 28152038, 29665859, 30306255)

Baylor Genetics
Classification: Pathogenic for Familial cancer of breast. Last evaluated: 2021-11-16. Review status: criteria provided, single submitter. Criteria: ACMG Guidelines, 2015. Collection method: clinical testing. Allele origin: unknown.

Department of Pathology and Laboratory Medicine, Sinai Health System
Classification: Pathogenic for Malignant tumor of breast. Review status: no assertion criteria provided. Collection method: clinical testing. Allele origin: unknown. Affected: yes. Observed: 1 variant allele. Study: The Canadian Open Genetics Repository (COGR). Not counted in ClinVar's aggregate classification.
Comment: The ATM p.Tyr1252GlnfsX4 variant was not identified in the literature nor was it identified in the dbSNP, Cosmic, MutDB, LOVD 3.0, databases. The variant was identified in the ClinVar (reported 3x as pathogenic by Ambry Genetics, GeneDx, Invitae) database. The variant was not identified in the following control databases: the 1000 Genomes Project, the NHLBI GO Exome Sequencing Project, the Exome Aggregation Consortium (August 8th 2016), or the Genome Aggregation Database (Feb 27, 2017). The c.3754_3756delinsCA variant is predicted to cause a frameshift, which alters the protein's amino acid sequence beginning at codon 1252 and leads to a premature stop codon, 4 codons downstream. This alteration is then predicted to result in a truncated or absent protein and loss of function. Loss of function variants of the ATM gene are an established mechanism of disease in ATM related cancer and is the type of variant expected to cause the disorder. In summary, based on the above information this variant meets our laboratoryâ€šÃ„Ã´s criteria to be classified as pathogenic.

Literature cited by the submitters: PubMed 23807571 (cited by Labcorp Genetics (formerly Invitae), Labcorp); PubMed 25614872 (cited by Labcorp Genetics (formerly Invitae), Labcorp); PubMed 27913932 (cited by Labcorp Genetics (formerly Invitae), Labcorp and Color Diagnostics, LLC DBA Color Health).

NM_000051.4(ATM):c.3754_3756delinsCA (p.Tyr1252fs)

Gene: ATM (ATM serine/threonine kinase; plus strand). Cytogenetic location: 11q22.3.
Variant type: Indel.
Coding change: c.3754_3756delinsCA on transcript NM_000051.4 (MANE Select); coding-DNA positions 3754 to 3756, TAT replaced by CA.
Protein change: p.Tyr1252fs; shifts the reading frame from tyrosine 1252.
Molecular consequence: frameshift variant.
Genome position (GRCh38, 1-based): chr11:108,284,234-108,284,236, TAT replaced by CA. VCF-style: chr11-108284234-TAT-CA. GRCh37 (hg19) VCF-style: chr11-108154961-TAT-CA.
Other names: c.3754_3756delinsCA, p.Tyr1252fs (NM_001351834.2); c.3754_3756delTATinsCA (NM_000051.3); short protein forms Y1252fs.
Identifiers: ClinVar variation 185042 (VCV000185042.24), dbSNP rs786201886, ClinGen allele CA190854.